The following is an entry in ClinVar:

ClinVar aggregate classification (germline): Uncertain significance (1 of 4 stars; one submission).

gnomAD v4.1: 3 of 1,614,230 alleles (0.00019%); highest among the groups gnomAD compares: South Asian, 0.0022%; no homozygotes.

Submission:

GeneDx
Classification: Uncertain significance. Last evaluated: 2025-07-07. Review status: criteria provided, single submitter. Criteria: GeneDx Variant Classification Process June 2021. Collection method: clinical testing. Allele origin: germline. Affected: yes.
Comment: Not observed at significant frequency in large population cohorts (gnomAD); In silico analysis supports that this missense variant has a deleterious effect on protein structure/function; Has not been previously published as pathogenic or benign to our knowledge

NM_004415.4(DSP):c.8314A>G (p.Lys2772Glu)

Gene: DSP (desmoplakin; plus strand). Cytogenetic location: 6p24.3.
Variant type: single nucleotide variant.
Coding change: c.8314A>G on transcript NM_004415.4 (MANE Select); coding-DNA position 8314, A replaced by G.
Protein change: p.Lys2772Glu; replaces lysine 2772 with glutamic acid.
Molecular consequence: missense variant.
Genome position (GRCh38, 1-based): chr6:7,585,576, A>G. VCF-style: chr6-7585576-A-G. GRCh37 (hg19) VCF-style: chr6-7585809-A-G.
Other names: c.6517A>G, p.Lys2173Glu (NM_001008844.3); c.6985A>G, p.Lys2329Glu (NM_001319034.2); short protein forms K2173E, K2329E, K2772E.
Identifiers: ClinVar variation 4685192 (VCV004685192.1).